The following is an entry in ClinVar:

ClinVar aggregate classification (germline): Uncertain significance (1 of 4 stars; one submission).

Conditions:
MIB1-related disorder. Also called: MIB1-related condition.

Submission:

PreventionGenetics, part of Exact Sciences
Classification: Uncertain significance for MIB1-related condition. Last evaluated: 2025-04-07. Review status: criteria provided, single submitter. Criteria: ACMG Guidelines, 2015. Collection method: clinical testing. Allele origin: germline.
Comment: The MIB1 c.2896T>G variant is predicted to result in the amino acid substitution p.Cys966Gly. To our knowledge, this variant has not been reported in the literature. This variant is reported in 0.00088% of alleles in individuals of European (Non-Finnish) descent in gnomAD. At this time, the clinical significance of this variant is uncertain due to the absence of conclusive functional and genetic evidence.

NM_020774.4(MIB1):c.2896T>G (p.Cys966Gly)

Gene: MIB1 (MIB E3 ubiquitin protein ligase 1; plus strand). Cytogenetic location: 18q11.2.
Variant type: single nucleotide variant.
Coding change: c.2896T>G on transcript NM_020774.4 (MANE Select); coding-DNA position 2896, T replaced by G.
Protein change: p.Cys966Gly; replaces cysteine 966 with glycine.
Molecular consequence: missense variant.
Genome position (GRCh38, 1-based): chr18:21,864,541, T>G. VCF-style: chr18-21864541-T-G. GRCh37 (hg19) VCF-style: chr18-19444502-T-G.
Other names: short protein forms C966G.
Identifiers: ClinVar variation 5002559 (VCV005002559.1).